The following is an entry in ClinVar:

NM_001572.5(IRF7):c.898G>C (p.Val300Leu)

Gene: IRF7 (interferon regulatory factor 7; minus strand). Cytogenetic location: 11p15.5.
Variant type: single nucleotide variant.
Coding change: c.898G>C on transcript NM_001572.5 (MANE Select); coding-DNA position 898, G replaced by C.
Protein change: p.Val300Leu; replaces valine 300 with leucine.
Molecular consequence: missense variant.
Genome position (GRCh38, 1-based): chr11:613,545, C>G on the plus strand (G>C on the coding strand, the complement: IRF7 is on the minus strand). VCF-style: chr11-613545-C-G. GRCh37 (hg19) VCF-style: chr11-613545-C-G.
Other names: c.934G>C, p.Val312Leu (NM_001440440.1); c.895G>C, p.Val299Leu (NM_001440442.1); c.850G>C, p.Val284Leu (NM_001440444.1); c.808G>C, p.Val270Leu (NM_001440445.1); c.526G>C, p.Val176Leu (NM_001440446.1); c.811G>C, p.Val271Leu (NM_004029.4); c.937G>C, p.Val313Leu (NM_004031.4); short protein forms V176L, V271L, V312L, V300L, V313L, V270L, V284L, V299L.
Identifiers: ClinVar variation 4720112 (VCV004720112.1).

ClinVar aggregate classification (germline): Uncertain significance (1 of 4 stars; one submission).

Conditions:
Immunodeficiency 39 (IMD39). Identifiers: Orphanet 574918, MedGen C4225358, MONDO:0014597, OMIM 616345.

Submission:

Labcorp Genetics (formerly Invitae), Labcorp
Classification: Uncertain significance for Immunodeficiency 39. Last evaluated: 2025-10-21. Review status: criteria provided, single submitter. Criteria: Invitae Variant Classification Sherloc (09022015). Collection method: clinical testing. Allele origin: germline.
Comment: This sequence change replaces valine, which is neutral and non-polar, with leucine, which is neutral and non-polar, at codon 313 of the IRF7 protein (p.Val313Leu). This variant is not present in population databases (gnomAD no frequency). This variant has not been reported in the literature in individuals affected with IRF7-related conditions. Invitae Evidence Modeling of protein sequence and biophysical properties (such as structural, functional, and spatial information, amino acid conservation, physicochemical variation, residue mobility, and thermodynamic stability) indicates that this missense variant is not expected to disrupt IRF7 protein function with a negative predictive value of 80%. In summary, the available evidence is currently insufficient to determine the role of this variant in disease. Therefore, it has been classified as a Variant of Uncertain Significance.